The following is an entry in ClinVar:

ClinVar aggregate classification (germline): Conflicting classifications of pathogenicity. Review status: criteria provided, conflicting classifications (1 of 4 stars). 13 submissions from 12 submitters: Uncertain significance (1); Benign (10); Likely benign (2). Last evaluated 2026-02-19.

Conditions:
Cardiovascular phenotype. Identifiers: MedGen CN230736.
Familial hypercholesterolemia. Also called: Familial hypercholesterolemias; Familial hypercholesterolaemia. Identifiers: MedGen C0020445, MONDO:0005439.
Hypercholesterolemia, autosomal dominant, type B (FHCL2). Also called: Familial Hypercholesterolemia Type B; APOB-Related Familial Hypercholesterolemia, Autosomal Dominant; APOLIPOPROTEIN B-100, FAMILIAL DEFECTIVE; APOLIPOPROTEIN B-100, FAMILIAL LIGAND-DEFECTIVE; HYPERCHOLESTEROLEMIA, FAMILIAL, DUE TO LIGAND-DEFECTIVE APOLIPOPROTEIN B; Hyperlipoproteinemia Type IIb. Identifiers: MedGen C1704417, MONDO:0007751, OMIM 144010.
Familial hypobetalipoproteinemia 1. Also called: APOB-Related Familial Hypobetalipoproteinemia; Hypobetalipoproteinemia, normotriglyceridemic; Acanthocytosis with hypobetalipoproteinemia. Identifiers: MedGen C4551990, MONDO:0014252, OMIM 615558.
Hypercholesterolemia, familial, 1. Also called: LDL RECEPTOR DISORDER; Hyperlipoproteinemia Type IIa; HYPER-LOW-DENSITY-LIPOPROTEINEMIA; HYPERCHOLESTEROLEMIC XANTHOMATOSIS, FAMILIAL; Fredrickson type IIa hyperlipoproteinemia; Hyperlipoproteinemia type 2. Identifiers: Orphanet 391665, MedGen C0745103, MONDO:0007750, OMIM 143890.

Allele frequency attached by ClinVar (database versions not stated): 1000 Genomes Project 30x 0.03779; ESP Exome Variant Server 0.03883; gnomAD 0.03579; 1000 Genomes Project 0.03494; TOPMed 0.04060.

Submissions (13):

GENinCode PLC
Classification: Benign for Familial hypercholesterolemia. Last evaluated: 2026-02-19. Review status: criteria provided, single submitter. Criteria: ACMG Guidelines, 2015. Collection method: clinical testing. Allele origin: germline.
Comment: The APOB c.433C>T p.(Pro145Ser) missense variant has a GrpMax filtering allele frequency in gnomAD v4.1.1 of 0.1246 in the African/ African American genetic ancestry group, which is higher than our in-house threshold (0.005 for BA1), and therefore meets this criterion and is classified as Benign.

Labcorp Genetics (formerly Invitae), Labcorp
Classification: Benign for Familial hypobetalipoproteinemia 1; Hypercholesterolemia, autosomal dominant, type B. Last evaluated: 2026-02-03. Review status: criteria provided, single submitter. Criteria: Invitae Variant Classification Sherloc (09022015). Collection method: clinical testing. Allele origin: germline.

Molecular Diagnostic Laboratory for Inherited Cardiovascular Disease, Montreal Heart Institute
Classification: Benign. Last evaluated: 2025-04-09. Review status: criteria provided, single submitter. Criteria: ACMG Guidelines, 2015. Collection method: clinical testing. Allele origin: germline. Affected: no.

ARUP Laboratories, Molecular Genetics and Genomics, ARUP Laboratories
Classification: Benign. Last evaluated: 2025-02-20. Review status: criteria provided, single submitter. Criteria: ARUP Molecular Germline Variant Investigation Process 2024. Collection method: clinical testing. Allele origin: germline.

Quest Diagnostics Nichols Institute San Juan Capistrano
Classification: Benign. Last evaluated: 2022-05-13. Review status: criteria provided, single submitter. Criteria: Quest Diagnostics criteria. Collection method: clinical testing. Allele origin: unknown.

Illumina Laboratory Services, Illumina
Classification: Likely benign for Familial hypobetalipoproteinemia 1. Last evaluated: 2018-01-13. Review status: criteria provided, single submitter. Criteria: ICSL Variant Classification Criteria 13 December 2019. Collection method: clinical testing. Allele origin: germline.
Comment: This variant was observed in the ICSL laboratory as part of a predisposition screen in an ostensibly healthy population. It had not been previously curated by ICSL or reported in the Human Gene Mutation Database (HGMD: prior to June 1st, 2018), and was therefore a candidate for classification through an automated scoring system. Utilizing variant allele frequency, disease prevalence and penetrance estimates, and inheritance mode, an automated score was calculated to assess if this variant is too frequent to cause the disease. Based on the score and internal cut-off values, a variant classified as likely benign is not then subjected to further curation. The score for this variant resulted in a classification of likely benign for this disease.

Illumina Laboratory Services, Illumina
Classification: Benign for Hypercholesterolemia, autosomal dominant, type B. Last evaluated: 2018-01-13. Review status: criteria provided, single submitter. Criteria: ICSL Variant Classification Criteria 13 December 2019. Collection method: clinical testing. Allele origin: germline.
Comment: This variant was observed in the ICSL laboratory as part of a predisposition screen in an ostensibly healthy population. It had not been previously curated by ICSL or reported in the Human Gene Mutation Database (HGMD: prior to June 1st, 2018), and was therefore a candidate for classification through an automated scoring system. Utilizing variant allele frequency, disease prevalence and penetrance estimates, and inheritance mode, an automated score was calculated to assess if this variant is too frequent to cause the disease. Based on the score and internal cut-off values, a variant classified as benign is not then subjected to further curation. The score for this variant resulted in a classification of benign for this disease.

Robarts Research Institute, Western University
Classification: Likely benign for Hypercholesterolemia, familial, 1. Last evaluated: 2018-01-02. Review status: criteria provided, single submitter. Criteria: ACMG Guidelines, 2015. Collection method: clinical testing. Allele origin: germline. Inheritance: Autosomal dominant inheritance. Affected: yes.

Color Diagnostics, LLC DBA Color Health
Classification: Benign for Familial hypercholesterolemia. Last evaluated: 2017-06-26. Review status: criteria provided, single submitter. Criteria: ACMG Guidelines, 2015. Collection method: clinical testing. Allele origin: germline.

GeneDx
Classification: Benign. Last evaluated: 2017-04-05. Review status: criteria provided, single submitter. Criteria: GeneDx Variant Classification (06012015). Collection method: clinical testing. Allele origin: germline. Affected: yes.
Comment: This variant is considered likely benign or benign based on one or more of the following criteria: it is a conservative change, it occurs at a poorly conserved position in the protein, it is predicted to be benign by multiple in silico algorithms, and/or has population frequency not consistent with disease.

Ambry Genetics
Classification: Benign for Cardiovascular phenotype. Last evaluated: 2017-02-07. Review status: criteria provided, single submitter. Criteria: Ambry Variant Classification Scheme 2023. Collection method: clinical testing. Allele origin: germline.

Laboratory of Genetics and Molecular Cardiology, University of São Paulo
Classification: Uncertain significance for Familial hypercholesterolemia. Last evaluated: 2016-03-01. Review status: criteria provided, single submitter. Criteria: ACMG Guidelines, 2015. Collection method: research. Allele origin: germline. Study: HipercolBrasil.

Mayo Clinic Laboratories, Mayo Clinic
Classification: Benign. Last evaluated: 2014-01-31. Review status: criteria provided, single submitter. Criteria: ACMG Guidelines, 2015. Collection method: clinical testing. Allele origin: germline. Observed: 15 variant alleles.

Literature cited by the submitters: PubMed 19602640 (cited by Quest Diagnostics Nichols Institute San Juan Capistrano).

NM_000384.3(APOB):c.433C>T (p.Pro145Ser)

Gene: APOB (apolipoprotein B; minus strand). Cytogenetic location: 2p24.1.
Variant type: single nucleotide variant.
Coding change: c.433C>T on transcript NM_000384.3 (MANE Select); coding-DNA position 433, C replaced by T.
Protein change: p.Pro145Ser; replaces proline 145 with serine.
Molecular consequence: missense variant.
Genome position (GRCh38, 1-based): chr2:21,038,062, G>A on the plus strand (C>T on the coding strand, the complement: APOB is on the minus strand). VCF-style: chr2-21038062-G-A. GRCh37 (hg19) VCF-style: chr2-21260934-G-A.
Other names: p.Pro145Ser; short protein forms P145S.
Identifiers: ClinVar variation 334184 (VCV000334184.36), dbSNP rs6752026, ClinGen allele CA060888.